The following is an entry in ClinVar:

ClinVar aggregate classification (germline): Uncertain significance (1 of 4 stars; one submission).

Conditions:
Baller-Gerold syndrome (BGS). Also called: CRANIOSYNOSTOSIS WITH RADIAL DEFECTS. Identifiers: Orphanet 1225, MedGen C0265308, MONDO:0009039, OMIM 218600.

Submission:

Labcorp Genetics (formerly Invitae), Labcorp
Classification: Uncertain significance for Baller-Gerold syndrome. Last evaluated: 2022-02-09. Review status: criteria provided, single submitter. Criteria: Invitae Variant Classification Sherloc (09022015). Collection method: clinical testing. Allele origin: germline.
Comment: In summary, the available evidence is currently insufficient to determine the role of this variant in disease. Therefore, it has been classified as a Variant of Uncertain Significance. Experimental studies and prediction algorithms are not available or were not evaluated, and the functional significance of this variant is currently unknown. This variant has not been reported in the literature in individuals affected with RECQL4-related conditions. This variant is not present in population databases (gnomAD no frequency). This sequence change replaces cysteine, which is neutral and slightly polar, with glycine, which is neutral and non-polar, at codon 525 of the RECQL4 protein (p.Cys525Gly).

NM_004260.4(RECQL4):c.1573T>G (p.Cys525Gly)

Gene: RECQL4 (RecQ like helicase 4; minus strand). Cytogenetic location: 8q24.3.
Variant type: single nucleotide variant.
Coding change: c.1573T>G on transcript NM_004260.4 (MANE Select); coding-DNA position 1573, T replaced by G.
Protein change: p.Cys525Gly; replaces cysteine 525 with glycine.
Molecular consequence: missense variant.
Genome position (GRCh38, 1-based): chr8:144,514,983, A>C on the plus strand (T>G on the coding strand, the complement: RECQL4 is on the minus strand). VCF-style: chr8-144514983-A-C. GRCh37 (hg19) VCF-style: chr8-145740367-A-C.
Other names: c.436T>G, p.Cys146Gly (NM_001413031.1, NM_001413032.1, NM_001413027.1 and 2 more transcripts); c.1573T>G, p.Cys525Gly (NM_001413033.1, NM_001413036.1, NM_001413018.1 and 1 more transcripts); c.502T>G, p.Cys168Gly (NM_001413034.1, NM_001413035.1, NM_001413037.1 and 7 more transcripts); c.1543T>G, p.Cys515Gly (NM_001413039.1); c.1477T>G, p.Cys493Gly (NM_001413017.1, NM_001413020.1); c.1444T>G, p.Cys482Gly (NM_001413025.1); c.1222T>G, p.Cys408Gly (NM_001413029.1); c.472T>G, p.Cys158Gly (NM_001413042.1); and 1 more; short protein forms C36G, C408G, C482G, C515G, C146G, C493G, C158G, C168G.
Identifiers: ClinVar variation 2095721 (VCV002095721.4), dbSNP rs886043101, ClinGen allele CA372683675.